The following is an entry in ClinVar:

NM_152419.3(HGSNAT):c.1378-1G>A

Gene: HGSNAT (heparan-alpha-glucosaminide N-acetyltransferase; plus strand). Cytogenetic location: 8p11.21.
Variant type: single nucleotide variant.
Coding change: c.1378-1G>A on transcript NM_152419.3 (MANE Select); the canonical splice acceptor site of the intron before coding-DNA position 1378, G replaced by A.
Molecular consequence: splice acceptor variant.
Genome position (GRCh38, 1-based): chr8:43,193,756, G>A. VCF-style: chr8-43193756-G-A. GRCh37 (hg19) VCF-style: chr8-43048899-G-A.
Other names: c.1378-1G>A (NM_001363227.2); c.514-1G>A (NM_001363229.2); c.1186-1G>A (NM_001363228.2).
Identifiers: ClinVar variation 997870 (VCV000997870.1), dbSNP rs1804617510, ClinGen allele CA371119805.

ClinVar aggregate classification (germline): Pathogenic (1 of 4 stars; one submission).

Conditions:
Sanfilippo syndrome. Also called: Mucopolysaccharidosis type 3; Sanfilippo disease; Mucopolysaccharidosis Type III. Identifiers: Orphanet 581, MedGen C0026706, MONDO:0018937.

Submission:

Women's Health and Genetics/Laboratory Corporation of America, LabCorp
Classification: Pathogenic for Sanfilippo syndrome. Last evaluated: 2021-02-07. Review status: criteria provided, single submitter. Criteria: LabCorp Variant Classification Summary - May 2015. Collection method: clinical testing. Allele origin: germline.
Comment: Variant summary: HGSNAT c.1378-1G>A is located in a canonical splice-site and is predicted to affect mRNA splicing resulting in a significantly altered protein due to either exon skipping, shortening, or inclusion of intronic material. Several computational tools predict a significant impact on normal splicing: Four predict the variant abolishes the canonical 3' acceptor site. At least one publication reports experimental evidence that this variant affects mRNA splicing (Canals_2011). The variant was absent in 248540 control chromosomes. c.1378-1G>A has been reported in the literature in at-least one homozygous individual affected with Mucopolysaccharidosis Type IIIC (Sanfilippo Syndrome C) and subsequently cited by others (example, Canals_2011, Martins_2019). No clinical diagnostic laboratories have submitted clinical-significance assessments for this variant to ClinVar after 2014. Based on the evidence outlined above, the variant was classified as pathogenic.

Literature cited by the submitters: PubMed 20825431; PubMed 31228227.